The following is an entry in ClinVar:

NM_005050.4(ABCD4):c.1577C>T (p.Pro526Leu)

Gene: ABCD4 (ATP binding cassette subfamily D member 4; minus strand). Cytogenetic location: 14q24.3.
Variant type: single nucleotide variant.
Coding change: c.1577C>T on transcript NM_005050.4 (MANE Select); coding-DNA position 1577, C replaced by T.
Protein change: p.Pro526Leu; replaces proline 526 with leucine.
Molecular consequence: missense variant. On other transcripts: non-coding transcript variant (10).
Genome position (GRCh38, 1-based): chr14:74,287,869, G>A on the plus strand (C>T on the coding strand, the complement: ABCD4 is on the minus strand). VCF-style: chr14-74287869-G-A. GRCh37 (hg19) VCF-style: chr14-74754572-G-A.
Other names: c.1451C>T, p.Pro484Leu (NM_001353591.2, NM_001353592.2); c.1316C>T, p.Pro439Leu (NM_001353593.2); c.1265C>T, p.Pro422Leu (NM_001353594.2); c.1163C>T, p.Pro388Leu (NM_001353595.2, NM_001353596.2); c.1112C>T, p.Pro371Leu (NM_001353597.2); c.1100C>T, p.Pro367Leu (NM_001353598.2, NM_001353599.2, NM_001353600.2 and 2 more transcripts); c.788C>T, p.Pro263Leu (NM_001353602.2, NM_001353603.2, NM_001353604.2 and 5 more transcripts); c.844C>T, p.Arg282Trp (NM_001353610.2); and 1 more; short protein forms P263L, P367L, P371L, P388L, P422L, P439L, P484L, P526L.
Identifiers: ClinVar variation 1306509 (VCV001306509.2), dbSNP rs534596852, ClinGen allele CA7266685.
Genomic context (GRCh38, chr14:74,287,869, plus strand): 5'-CCTGCGTACTTCGGCTGCAGGTAGAAGAGTCGGGCAAAGGAGAGCCGTTGCATCTCCCCC[G>A]GGGACAGAACATCATACCTGAGGAAAGGTAGGAGAGAGGACTGCTAGAGGAGGAAGAATA-3'
Protein context (NP_005041.1, residues 516-536): VDWNWYDVLS[Pro526Leu]GEMQRLSFAR

ClinVar aggregate classification (germline): Uncertain significance (1 of 4 stars; one submission).

Allele frequency attached by ClinVar (database versions not stated): gnomAD 0.00001; gnomAD exomes 0.00003; ExAC 0.00005.
gnomAD v4.1: 35 of 1,613,042 alleles (0.0022%); highest among the groups gnomAD compares: Non-Finnish European, 0.0015%; no homozygotes.

Submission:

GeneDx
Classification: Uncertain significance. Last evaluated: 2019-06-12. Review status: criteria provided, single submitter. Criteria: GeneDx Variant Classification Process June 2021. Collection method: clinical testing. Allele origin: germline. Affected: yes.
Comment: In silico analysis, which includes protein predictors and evolutionary conservation, supports a deleterious effect; Has not been previously published as pathogenic or benign to our knowledge